The following is an entry in ClinVar:

ClinVar aggregate classification (germline): not provided (0 of 4 stars; one submission).

Conditions:
Gestational diabetes mellitus uncontrolled. Identifiers: MedGen C3532257.

Submission:

Institute of Molecular and Cell Biology, University of Tartu
No classification provided. Condition: Gestational diabetes mellitus uncontrolled. Review status: no classification provided. Collection method: case-control. Allele origin: unknown. Affected: yes. Study: Kasak2014.
Comment: The study aimed to determine the contribution of copy number variants in the genetic etiology of normal and complicated pregnancies. The samples represented (i) maternal blood DNA drawn from healthy pregnant women during 1st or 2nd trimester and (ii) maternal and paternal blood DNA drawn at term pregnancy cases representing normal and complicated gestations (severe preeclampsia, PE; gestational diabetes, GD; small-for-gestational age newborn, SGA; large-for-gestational age newborn, LGA). We performed CNV calling based on genome-wide genotyping dataset (Illumina HumanOmniExpress-24-v1 BeadChip) by applying three algorithms, QuantiSNP, GADA (Genome Alteration Detection Algorithm) and CNstream in parallel. The acquired CNV calls were merged with HD-CNV (Hotspot Detector for Copy Number Variants) program and only the CNVs predicted by at least two programs, were considered in subsequent analysis.

Literature cited by the submitters: PubMed 25666259.

Single allele

Variant type: Deletion.
Identifiers: ClinVar variation 156762 (VCV000156762.2).